The following is an entry in ClinVar:

ClinVar aggregate classification (germline): Likely pathogenic (1 of 4 stars; one submission).

Conditions:
Fanconi anemia (FA). Also called: Fanconi's anemia. Identifiers: Orphanet 84, MedGen C0015625, MeSH D005199, MONDO:0019391.

Submission:

Labcorp Genetics (formerly Invitae), Labcorp
Classification: Likely pathogenic for Fanconi anemia. Last evaluated: 2018-12-19. Review status: criteria provided, single submitter. Criteria: Invitae Variant Classification Sherloc (09022015). Collection method: clinical testing. Allele origin: germline.
Comment: In summary, the currently available evidence indicates that the variant is pathogenic, but additional data are needed to prove that conclusively. Therefore, this variant has been classified as Likely Pathogenic. Loss-of-function variants in FANCA are known to be pathogenic (PMID: 19367192). This variant has not been reported in the literature in individuals with FANCA-related disease. This variant is a gross duplication of the genomic region encompassing exons 15-36 of the FANCA gene. While the exact position of the duplicated exons cannot be determined from this data, sub-genic duplications are generally in tandem (PMID: 25640679) and may result in an absent or disrupted protein product.

Literature cited by the submitters: PubMed 19367192; PubMed 25640679.

NC_000016.9:g.(?_89811357)_(89851382_?)dup

Genes: FANCA (FA complementation group A; minus strand), LOC132090450 (Neanderthal introgressed variant-containing enhancer experimental_46718; plus strand), LOC130059837 (ATAC-STARR-seq lymphoblastoid active region 11420; plus strand), LOC130059838 (ATAC-STARR-seq lymphoblastoid active region 11421; plus strand). Cytogenetic location: 16q24.3.
Variant type: Duplication.
Identifiers: ClinVar variation 645367 (VCV000645367.6).